The following is an entry in ClinVar:

NM_001127222.2(CACNA1A):c.1262G>A (p.Arg421Gln)

Gene: CACNA1A (calcium voltage-gated channel subunit alpha1 A; minus strand). Cytogenetic location: 19p13.13.
Variant type: single nucleotide variant.
Coding change: c.1262G>A on transcript NM_001127222.2 (MANE Select); coding-DNA position 1262, G replaced by A.
Protein change: p.Arg421Gln; replaces arginine 421 with glutamine.
Molecular consequence: missense variant.
Genome position (GRCh38, 1-based): chr19:13,330,327, C>T on the plus strand (G>A on the coding strand, the complement: CACNA1A is on the minus strand). VCF-style: chr19-13330327-C-T. GRCh37 (hg19) VCF-style: chr19-13441141-C-T.
Other names: c.1265G>A, p.Arg422Gln (NM_000068.4, NM_001127221.2, NM_001174080.2 and 1 more transcripts); short protein forms R421Q, R422Q.
Identifiers: ClinVar variation 733094 (VCV000733094.14), dbSNP rs752902118, ClinGen allele CA9240853.

ClinVar aggregate classification (germline): Conflicting classifications of pathogenicity. Review status: criteria provided, conflicting classifications (1 of 4 stars). 3 submissions from 3 submitters: Uncertain significance (2); Likely benign (1). Last evaluated 2026-04-16.

Conditions:
Episodic ataxia type 2 (EA2). Also called: ACETAZOLAMIDE-RESPONSIVE HEREDITARY PAROXYSMAL CEREBELLAR ATAXIA; ATAXIA, EPISODIC, WITH NYSTAGMUS; ATAXIA, FAMILIAL PAROXYSMAL; CEREBELLAR ATAXIA, PAROXYSMAL, ACETAZOLAMIDE-RESPONSIVE; CEREBELLOPATHY, HEREDITARY PAROXYSMAL; EPISODIC ATAXIA, NYSTAGMUS-ASSOCIATED. Identifiers: Orphanet 97, MedGen C1720416, MONDO:0007163, OMIM 108500.
Developmental and epileptic encephalopathy, 42 (DEE42A). Also called: DEVELOPMENTAL AND EPILEPTIC ENCEPHALOPATHY 42A; EPILEPTIC ENCEPHALOPATHY, EARLY INFANTILE, 42A; Epileptic encephalopathy, early infantile, 42. Identifiers: MedGen C4310716, MONDO:0014917, OMIM 617106.

Allele frequency attached by ClinVar (database versions not stated): ExAC 0.00016; gnomAD exomes 0.00017 and 0.00002; gnomAD 0.00005 and 0.00004; TOPMed 0.00009.
gnomAD v4.1: 42 of 1,560,542 alleles (0.0027%); highest among the groups gnomAD compares: East Asian, 0.062%; no homozygotes.

Submissions (3):

GeneDx
Classification: Uncertain significance. Last evaluated: 2026-04-16. Review status: criteria provided, single submitter. Criteria: GeneDx Variant Classification Process June 2021. Collection method: clinical testing. Allele origin: germline.
Comment: In silico analysis supports that this missense variant has a deleterious effect on protein structure/function; In silico analysis supports a deleterious effect on splicing; Has not been previously published as pathogenic or benign to our knowledge

Labcorp Genetics (formerly Invitae), Labcorp
Classification: Likely benign for Developmental and epileptic encephalopathy, 42; Episodic ataxia type 2. Last evaluated: 2025-12-28. Review status: criteria provided, single submitter. Criteria: Invitae Variant Classification Sherloc (09022015). Collection method: clinical testing. Allele origin: germline.

Revvity Omics, Revvity
Classification: Uncertain significance. Last evaluated: 2019-09-16. Review status: criteria provided, single submitter. Criteria: ACMG Guidelines, 2015. Collection method: clinical testing. Allele origin: germline.